The following is an entry in ClinVar:

ClinVar aggregate classification (germline): Pathogenic (1 of 4 stars; one submission).

Submission:

Labcorp Genetics (formerly Invitae), Labcorp
Classification: Pathogenic. Last evaluated: 2023-05-16. Review status: criteria provided, single submitter. Criteria: Invitae Variant Classification Sherloc (09022015). Collection method: clinical testing. Allele origin: germline.
Comment: For these reasons, this variant has been classified as Pathogenic. ClinVar contains an entry for this variant (Variation ID: 2078185). This variant has not been reported in the literature in individuals affected with GRHPR-related conditions. This variant is not present in population databases (gnomAD no frequency). This sequence change creates a premature translational stop signal (p.Trp34Glyfs*12) in the GRHPR gene. It is expected to result in an absent or disrupted protein product. Loss-of-function variants in GRHPR are known to be pathogenic (PMID: 25644115).

Literature cited by the submitters: PubMed 25644115.

NM_012203.2(GRHPR):c.100del (p.Trp34fs)

Gene: GRHPR (glyoxylate and hydroxypyruvate reductase; plus strand). Cytogenetic location: 9p13.2.
Variant type: Deletion.
Coding change: c.100del on transcript NM_012203.2 (MANE Select); coding-DNA position 100, one base deleted (T; older notation c.100delT).
Protein change: p.Trp34fs; shifts the reading frame from tryptophan 34.
Molecular consequence: frameshift variant.
Genome position (GRCh38, 1-based): chr9:37,424,861, T deleted. VCF-style (leftmost placement, unchanged base first): chr9-37424860-GT-G. GRCh37 (hg19) VCF-style: chr9-37424857-GT-G.
Other names: short protein forms W34fs.
Identifiers: ClinVar variation 2078185 (VCV002078185.6), dbSNP rs2489231873, ClinGen allele CA2579340525.
Genomic context (GRCh38, chr9:37,424,860, plus strand): 5'-GGTGTGCGGCTCCTGCTTCTCCTGAGGGCCTCCCTTTCCCCGCAGCTGTGAGGTGGAGCA[GT>G]GGGACTCGGATGAGCCCATCCCTGCCAAGGAGCTAGAGCGAGGTGTGGCGGGGGCCCACG-3'